The following is an entry in ClinVar:

ClinVar aggregate classification (germline): Likely benign (1 of 4 stars; one submission).

Allele frequency attached by ClinVar (database versions not stated): gnomAD 0.00001.
gnomAD v4.1: 3 of 1,613,764 alleles (0.00019%); highest among the groups gnomAD compares: African/African-American, 0.004%; no homozygotes.

Submission:

Women's Health and Genetics/Laboratory Corporation of America, LabCorp
Classification: Likely benign. Last evaluated: 2020-04-06. Review status: criteria provided, single submitter. Criteria: LabCorp Variant Classification Summary - May 2015. Collection method: clinical testing. Allele origin: germline.
Comment: Variant summary: A2ML1 c.906C>T alters a conserved nucleotide resulting in a synonymous change. 4/4 computational tools predict no significant impact on normal splicing. However, these predictions have yet to be confirmed by functional studies. The variant was absent in 249380 control chromosomes (gnomAD). The available data on variant occurrences in the general population are insufficient to allow any conclusion about variant significance. To our knowledge, no occurrence of c.906C>T in individuals affected with Noonan Syndrome and no experimental evidence demonstrating its impact on protein function have been reported. No clinical diagnostic laboratories have submitted clinical-significance assessments for this variant to ClinVar after 2014. Based on the evidence outlined above, the variant was classified as likely benign.

NM_144670.6(A2ML1):c.906C>T (p.Asp302=)

Gene: A2ML1 (alpha-2-macroglobulin like 1; plus strand). Cytogenetic location: 12p13.31.
Variant type: single nucleotide variant.
Coding change: c.906C>T on transcript NM_144670.6 (MANE Select); coding-DNA position 906, C replaced by T.
Protein change: p.Asp302=; no amino-acid change (aspartic acid 302 retained).
Molecular consequence: synonymous variant.
Genome position (GRCh38, 1-based): chr12:8,838,386, C>T. VCF-style: chr12-8838386-C-T. GRCh37 (hg19) VCF-style: chr12-8990982-C-T.
Identifiers: ClinVar variation 917801 (VCV000917801.1), dbSNP rs1943356243, ClinGen allele CA478301225.